The following is an entry in ClinVar:

ClinVar aggregate classification (germline): Uncertain significance (1 of 4 stars; one submission).

Conditions:
Charcot-Marie-Tooth disease type 2. Also called: Charcot-Marie-Tooth type 2. Identifiers: Orphanet 64746, MedGen C0270914, MONDO:0018993.

Submission:

Labcorp Genetics (formerly Invitae), Labcorp
Classification: Uncertain significance for Charcot-Marie-Tooth disease type 2. Last evaluated: 2025-06-19. Review status: criteria provided, single submitter. Criteria: Invitae Variant Classification Sherloc (09022015). Collection method: clinical testing. Allele origin: germline.
Comment: This sequence change replaces isoleucine, which is neutral and non-polar, with leucine, which is neutral and non-polar, at codon 37 of the KIF1B protein (p.Ile37Leu). This variant is not present in population databases (gnomAD no frequency). This variant has not been reported in the literature in individuals affected with KIF1B-related conditions. An algorithm developed to predict the effect of missense changes on protein structure and function (PolyPhen-2) suggests that this variant is likely to be disruptive. In summary, the available evidence is currently insufficient to determine the role of this variant in disease. Therefore, it has been classified as a Variant of Uncertain Significance.

NM_001365951.3(KIF1B):c.109A>C (p.Ile37Leu)

Gene: KIF1B (kinesin family member 1B; plus strand). Cytogenetic location: 1p36.22.
Variant type: single nucleotide variant.
Coding change: c.109A>C on transcript NM_001365951.3 (MANE Select); coding-DNA position 109, A replaced by C.
Protein change: p.Ile37Leu; replaces isoleucine 37 with leucine.
Molecular consequence: missense variant.
Genome position (GRCh38, 1-based): chr1:10,256,249, A>C. VCF-style: chr1-10256249-A-C. GRCh37 (hg19) VCF-style: chr1-10316307-A-C.
Other names: c.109A>C, p.Ile37Leu (NM_001365952.1, NM_001365953.1, NM_015074.3 and 1 more transcripts); short protein forms I37L.
Identifiers: ClinVar variation 4721714 (VCV004721714.1).